The following is an entry in ClinVar:

NM_003126.4(SPTA1):c.403G>T (p.Glu135Ter)

Gene: SPTA1 (spectrin alpha, erythrocytic 1; minus strand). Cytogenetic location: 1q23.1.
Variant type: single nucleotide variant.
Coding change: c.403G>T on transcript NM_003126.4 (MANE Select); coding-DNA position 403, G replaced by T.
Protein change: p.Glu135Ter; replaces glutamic acid 135 with a stop codon.
Molecular consequence: nonsense.
Genome position (GRCh38, 1-based): chr1:158,681,655, C>A on the plus strand (G>T on the coding strand, the complement: SPTA1 is on the minus strand). VCF-style: chr1-158681655-C-A. GRCh37 (hg19) VCF-style: chr1-158651445-C-A.
Other names: p.Glu135*; short protein forms E135*.
Identifiers: ClinVar variation 3381051 (VCV003381051.1).

ClinVar aggregate classification (germline): Likely pathogenic (1 of 4 stars; one submission).

Submission:

Mayo Clinic Laboratories, Mayo Clinic
Classification: Likely pathogenic. Last evaluated: 2023-09-01. Review status: criteria provided, single submitter. Criteria: ACMG Guidelines, 2015. Collection method: clinical testing. Allele origin: germline. Observed: 1 variant allele.
Comment: PM2_moderate, PVS1